The following is an entry in ClinVar:

NM_001193315.2(VIPAS39):c.135C>T (p.Phe45=)

Gene: VIPAS39 (VPS33B interacting protein, apical-basolateral polarity regulator, spe-39 homolog; minus strand). Cytogenetic location: 14q24.3.
Variant type: single nucleotide variant.
Coding change: c.135C>T on transcript NM_001193315.2 (MANE Select); coding-DNA position 135, C replaced by T.
Protein change: p.Phe45=; no amino-acid change (phenylalanine 45 retained).
Molecular consequence: synonymous variant. On other transcripts: non-coding transcript variant (1).
Genome position (GRCh38, 1-based): chr14:77,453,360, G>A on the plus strand (C>T on the coding strand, the complement: VIPAS39 is on the minus strand). VCF-style: chr14-77453360-G-A. GRCh37 (hg19) VCF-style: chr14-77919703-G-A.
Other names: c.135C>T (NM_022067.3); c.135C>T, p.Phe45= (NM_001193314.2, NM_001193316.2, NM_001193317.2 and 15 more transcripts).
Identifiers: ClinVar variation 2957899 (VCV002957899.4), dbSNP rs1230748332, ClinGen allele CA487325700.

ClinVar aggregate classification (germline): Likely benign. Review status: criteria provided, single submitter (1 of 4 stars). 2 submissions from 2 submitters: Likely benign (1). 1 of the submissions does not count toward it. Last evaluated 2023-07-14.

Conditions:
VIPAS39-related disorder. Also called: VIPAS39-related condition.

Allele frequency attached by ClinVar (database versions not stated): gnomAD 0.00001.
gnomAD v4.1: 24 of 1,613,798 alleles (0.0015%); highest among the groups gnomAD compares: Non-Finnish European, 0.002%; no homozygotes.

Submissions (2):

Labcorp Genetics (formerly Invitae), Labcorp
Classification: Likely benign. Last evaluated: 2023-07-14. Review status: criteria provided, single submitter. Criteria: Invitae Variant Classification Sherloc (09022015). Collection method: clinical testing. Allele origin: germline.

PreventionGenetics, part of Exact Sciences
Classification: Likely benign for VIPAS39-related condition. Last evaluated: 2024-03-05. Review status: no assertion criteria provided. Collection method: clinical testing. Allele origin: germline. Not counted in ClinVar's aggregate classification.
Comment: This variant is classified as likely benign based on ACMG/AMP sequence variant interpretation guidelines (Richards et al. 2015 PMID: 25741868, with internal and published modifications).